The following is an entry in ClinVar:

ClinVar aggregate classification (germline): Likely benign (1 of 4 stars; one submission).

Conditions:
Coffin-Siris syndrome 12. Identifiers: MedGen C5444111, MONDO:0025699, OMIM 619325.

Submission:

Centre for Medical Genetics,  Mumbai
Classification: Likely benign for Coffin-Siris syndrome 12. Last evaluated: 2026-02-05. Review status: criteria provided, single submitter. Criteria: ACMG Guidelines, 2015. Collection method: provider interpretation. Allele origin: germline. Inheritance: Autosomal dominant inheritance. Affected: no. Observed: 1 heterozygote.
Comment: The variant satisfies PM2 criteria; Extremely low frequency in gnomAD population databases. The variant satisfies BP7 criteria; Synonymous or non coding variant which is not located in a splice region and not predicted to have splice-altering consequence. However, the variant satisfies BS2 criteria.

Literature cited by the submitters: PubMed 33232675.

NM_001394372.1(BICRA):c.2107-23C>G

Gene: BICRA (BRD4 interacting chromatin remodeling complex associated protein; plus strand). Cytogenetic location: 19q13.33.
Variant type: single nucleotide variant.
Coding change: c.2107-23C>G on transcript NM_001394372.1 (MANE Select); 23 bases into the intron before coding-DNA position 2107, C replaced by G.
Molecular consequence: intron variant.
Genome position (GRCh38, 1-based): chr19:47,681,953, C>G. VCF-style: chr19-47681953-C-G. GRCh37 (hg19) VCF-style: chr19-48185210-C-G.
Other names: c.2107-23C>G (NM_015711.3).
Identifiers: ClinVar variation 4755401 (VCV004755401.1).
Genomic context (GRCh38, chr19:47,681,953, plus strand): 5'-TCAATAGGGGCAGGGGTCTCGGGTGGGGAGGTCGAGGGCCTGTGGGGGCGGCTTTCTGAT[C>G]CTGTGCGGGCTGCCCGTTGCAGGAGAGGAGCCAGCAGCCCCTCTCCGCAGAGGGCCCCCA-3'